The following is an entry in ClinVar:

ClinVar aggregate classification (germline): Uncertain significance (1 of 4 stars; one submission).

Submission:

GeneDx
Classification: Uncertain significance. Last evaluated: 2026-02-12. Review status: criteria provided, single submitter. Criteria: GeneDx Variant Classification Process June 2021. Collection method: clinical testing. Allele origin: germline.
Comment: Not observed at significant frequency in large population cohorts (gnomAD); In silico analysis supports that this missense variant has a deleterious effect on protein structure/function; Has not been previously published as pathogenic or benign to our knowledge

NM_000742.4(CHRNA2):c.59T>C (p.Leu20Pro)

Gene: CHRNA2 (cholinergic receptor nicotinic alpha 2 subunit; minus strand). Cytogenetic location: 8p21.2.
Variant type: single nucleotide variant.
Coding change: c.59T>C on transcript NM_000742.4 (MANE Select); coding-DNA position 59, T replaced by C.
Protein change: p.Leu20Pro; replaces leucine 20 with proline.
Molecular consequence: missense variant. On other transcripts: 5 prime UTR variant (4).
Genome position (GRCh38, 1-based): chr8:27,471,000, A>G on the plus strand (T>C on the coding strand, the complement: CHRNA2 is on the minus strand). VCF-style: chr8-27471000-A-G. GRCh37 (hg19) VCF-style: chr8-27328517-A-G.
Other names: c.59T>C, p.Leu20Pro (NM_001282455.2); c.-369T>C (NM_001347705.2); c.-414T>C (NM_001347706.2); c.-355T>C (NM_001347707.2); c.-403T>C (NM_001347708.2); short protein forms L20P.
Identifiers: ClinVar variation 4888145 (VCV004888145.1).